The following is an entry in ClinVar:

NM_003051.4(SLC16A1):c.169G>C (p.Glu57Gln)

Gene: SLC16A1 (solute carrier family 16 member 1; minus strand). Cytogenetic location: 1p13.2.
Variant type: single nucleotide variant.
Coding change: c.169G>C on transcript NM_003051.4 (MANE Select); coding-DNA position 169, G replaced by C.
Protein change: p.Glu57Gln; replaces glutamic acid 57 with glutamine.
Molecular consequence: missense variant.
Genome position (GRCh38, 1-based): chr1:112,929,140, C>G on the plus strand (G>C on the coding strand, the complement: SLC16A1 is on the minus strand). VCF-style: chr1-112929140-C-G. GRCh37 (hg19) VCF-style: chr1-113471762-C-G.
Other names: c.169G>C, p.Glu57Gln (NM_001166496.2); short protein forms E57Q.
Identifiers: ClinVar variation 2988459 (VCV002988459.3), dbSNP rs571088514, ClinGen allele CA341826244.

ClinVar aggregate classification (germline): Uncertain significance (1 of 4 stars; one submission).

Allele frequency attached by ClinVar (database versions not stated): TOPMed below 0.00001.
gnomAD v4.1: 4 of 1,613,950 alleles (0.00025%); highest among the groups gnomAD compares: Non-Finnish European, 0.00025%; no homozygotes.

Submission:

Labcorp Genetics (formerly Invitae), Labcorp
Classification: Uncertain significance. Last evaluated: 2023-03-25. Review status: criteria provided, single submitter. Criteria: Invitae Variant Classification Sherloc (09022015). Collection method: clinical testing. Allele origin: germline.
Comment: This sequence change replaces glutamic acid, which is acidic and polar, with glutamine, which is neutral and polar, at codon 57 of the SLC16A1 protein (p.Glu57Gln). This variant is not present in population databases (gnomAD no frequency). This variant has not been reported in the literature in individuals affected with SLC16A1-related conditions. Algorithms developed to predict the effect of missense changes on protein structure and function output the following: SIFT: "Not Available"; PolyPhen-2: "Benign"; Align-GVGD: "Not Available". The glutamine amino acid residue is found in multiple mammalian species, which suggests that this missense change does not adversely affect protein function. In summary, the available evidence is currently insufficient to determine the role of this variant in disease. Therefore, it has been classified as a Variant of Uncertain Significance.